The following is an entry in ClinVar:

ClinVar aggregate classification (germline): Uncertain significance (1 of 4 stars; one submission).

Allele frequency attached by ClinVar (database versions not stated): TOPMed below 0.00001; ExAC 0.00001; gnomAD 0.00001; ESP Exome Variant Server 0.00008.
gnomAD v4.1: 3 of 1,613,882 alleles (0.00019%); highest among the groups gnomAD compares: Non-Finnish European, 0.00025%; no homozygotes.

Submission:

Labcorp Genetics (formerly Invitae), Labcorp
Classification: Uncertain significance. Last evaluated: 2023-12-25. Review status: criteria provided, single submitter. Criteria: Invitae Variant Classification Sherloc (09022015). Collection method: clinical testing. Allele origin: germline.
Comment: This sequence change replaces glutamine, which is neutral and polar, with lysine, which is basic and polar, at codon 126 of the DNAJC17 protein (p.Gln126Lys). This variant is present in population databases (rs373859480, gnomAD 0.002%). This variant has not been reported in the literature in individuals affected with DNAJC17-related conditions. An algorithm developed to predict the effect of missense changes on protein structure and function (PolyPhen-2) suggests that this variant is likely to be tolerated. In summary, the available evidence is currently insufficient to determine the role of this variant in disease. Therefore, it has been classified as a Variant of Uncertain Significance.

NM_018163.3(DNAJC17):c.376C>A (p.Gln126Lys)

Gene: DNAJC17 (DnaJ heat shock protein family (Hsp40) member C17; minus strand). Cytogenetic location: 15q15.1.
Variant type: single nucleotide variant.
Coding change: c.376C>A on transcript NM_018163.3 (MANE Select); coding-DNA position 376, C replaced by A.
Protein change: p.Gln126Lys; replaces glutamine 126 with lysine.
Molecular consequence: missense variant.
Genome position (GRCh38, 1-based): chr15:40,776,547, G>T on the plus strand (C>A on the coding strand, the complement: DNAJC17 is on the minus strand). VCF-style: chr15-40776547-G-T. GRCh37 (hg19) VCF-style: chr15-41068745-G-T.
Other names: short protein forms Q126K.
Identifiers: ClinVar variation 2800560 (VCV002800560.3), dbSNP rs373859480, ClinGen allele CA7485197.